The following is an entry in ClinVar:

ClinVar aggregate classification (germline): Pathogenic (1 of 4 stars; one submission).

Conditions:
Autosomal recessive limb-girdle muscular dystrophy type 2A (LGMDR1). Also called: LEYDEN-MOEBIUS MUSCULAR DYSTROPHY; MUSCULAR DYSTROPHY, PELVOFEMORAL; Limb-girdle muscular dystrophy, type 2A; Calpainopathy; Muscular dystrophy, limb-girdle, type 2A, Amish. Identifiers: Orphanet 267, MedGen C1869123, MONDO:0009675, OMIM 253600. Disease mechanism: loss of function.

Submission:

Labcorp Genetics (formerly Invitae), Labcorp
Classification: Pathogenic for Autosomal recessive limb-girdle muscular dystrophy type 2A. Last evaluated: 2020-03-07. Review status: criteria provided, single submitter. Criteria: Invitae Variant Classification Sherloc (09022015). Collection method: clinical testing. Allele origin: germline.
Comment: Loss-of-function variants in CAPN3 are known to be pathogenic (PMID: 10330340, 15689361). For these reasons, this variant has been classified as Pathogenic. This variant has not been reported in the literature in individuals with CAPN3-related conditions. This variant is not present in population databases (ExAC no frequency). This sequence change creates a premature translational stop signal (p.Ala662Glufs*20) in the CAPN3 gene. It is expected to result in an absent or disrupted protein product.

Literature cited by the submitters: PubMed 10330340; PubMed 15689361.

NM_000070.3(CAPN3):c.1985del (p.Ala662fs)

Gene: CAPN3 (calpain 3; plus strand). Cytogenetic location: 15q15.1.
Variant type: Deletion.
Coding change: c.1985del on transcript NM_000070.3 (MANE Select); coding-DNA position 1985, one base deleted (C; older notation c.1985delC).
Protein change: p.Ala662fs; shifts the reading frame from alanine 662.
Molecular consequence: frameshift variant. On other transcripts: 5 prime UTR variant (2).
Genome position (GRCh38, 1-based): chr15:42,409,373, C deleted. VCF-style (leftmost placement, unchanged base first): chr15-42409372-GC-G. GRCh37 (hg19) VCF-style: chr15-42701570-GC-G.
Other names: c.1967del, p.Ala656fs (NM_024344.2); c.1709del, p.Ala570fs (NM_173087.2); c.449del, p.Ala150fs (NM_173088.2); c.-11del (NM_173089.2, NM_173090.2); short protein forms A150fs, A570fs, A656fs, A662fs.
Identifiers: ClinVar variation 1069414 (VCV001069414.7), dbSNP rs2141219970, ClinGen allele CA2499222915.